The following is an entry in ClinVar:

NM_000340.2(SLC2A2):c.496+2T>A

Gene: SLC2A2 (solute carrier family 2 member 2; minus strand). Cytogenetic location: 3q26.2.
Variant type: single nucleotide variant.
Coding change: c.496+2T>A on transcript NM_000340.2 (MANE Select); the canonical splice donor site of the intron after coding-DNA position 496, T replaced by A.
Molecular consequence: splice donor variant. On other transcripts: intron variant (1).
Genome position (GRCh38, 1-based): chr3:171,009,956, A>T on the plus strand (T>A on the coding strand, the complement: SLC2A2 is on the minus strand). VCF-style: chr3-171009956-A-T. GRCh37 (hg19) VCF-style: chr3-170727745-A-T.
Other names: c.139+2T>A (NM_001278658.2); c.-23-2693T>A (NM_001278659.2).
Identifiers: ClinVar variation 2585545 (VCV002585545.1), dbSNP rs985090030, ClinGen allele CA355491527.

ClinVar aggregate classification (germline): Likely pathogenic (1 of 4 stars; one submission).

Conditions:
Fanconi-Bickel syndrome (FBS). Also called: FANCONI SYNDROME WITH INTESTINAL MALABSORPTION AND GALACTOSE INTOLERANCE; HEPATIC GLYCOGENOSIS WITH AMINO ACIDURIA AND GLUCOSURIA; HEPATIC GLYCOGENOSIS WITH FANCONI NEPHROPATHY; HEPATORENAL GLYCOGENOSIS WITH RENAL FANCONI SYNDROME; PSEUDO-PHLORIZIN DIABETES; Glycogen storage disease due to GLUT2 deficiency. Identifiers: Orphanet 2088, MedGen C3495427, MONDO:0009216, OMIM 227810.

gnomAD v4.1: 1 of 1,571,620 alleles (0.000064%); highest among the groups gnomAD compares: South Asian, 0.0011%; no homozygotes.

Submission:

Neuberg Centre For Genomic Medicine, NCGM
Classification: Likely pathogenic for Fanconi-Bickel syndrome. Review status: criteria provided, single submitter. Criteria: ACMG Guidelines, 2015. Collection method: clinical testing. Allele origin: germline. Inheritance: Autosomal recessive inheritance. Affected: yes.
Comment: The splice site variant c.496+2T>A in SLC2A2 gene has not been reported previously as a pathogenic variant nor as a benign variant, to our knowledge. The c.496+2T>A variant is novel (not in any individuals) in 1000 Genomes and allele frequency of 0.0004547% is reported in gnomAD. The variant affects an invariant splice nucleotide and is expected to cause loss of function. Loss of function variants have been previously reported to be disease causing. For these reasons, this variant has been classified as Likely Pathogenic. In the absence of another reportable variant the molecular diagnosis is not confirmed.